The following is an entry in ClinVar:

NM_033026.6(PCLO):c.98C>T (p.Ser33Phe)

Gene: PCLO (piccolo presynaptic cytomatrix protein; minus strand). Cytogenetic location: 7q21.11.
Variant type: single nucleotide variant.
Coding change: c.98C>T on transcript NM_033026.6 (MANE Select); coding-DNA position 98, C replaced by T.
Protein change: p.Ser33Phe; replaces serine 33 with phenylalanine.
Molecular consequence: missense variant.
Genome position (GRCh38, 1-based): chr7:83,162,495, G>A on the plus strand (C>T on the coding strand, the complement: PCLO is on the minus strand). VCF-style: chr7-83162495-G-A. GRCh37 (hg19) VCF-style: chr7-82791811-G-A.
Other names: c.98C>T, p.Ser33Phe (NM_014510.3); short protein forms S33F.
Identifiers: ClinVar variation 2119708 (VCV002119708.4), dbSNP rs1350127650, ClinGen allele CA367922453.

ClinVar aggregate classification (germline): Uncertain significance (1 of 4 stars; one submission).

Submission:

Labcorp Genetics (formerly Invitae), Labcorp
Classification: Uncertain significance. Last evaluated: 2022-03-30. Review status: criteria provided, single submitter. Criteria: Invitae Variant Classification Sherloc (09022015). Collection method: clinical testing. Allele origin: germline.
Comment: This sequence change replaces serine, which is neutral and polar, with phenylalanine, which is neutral and non-polar, at codon 33 of the PCLO protein (p.Ser33Phe). This variant is not present in population databases (gnomAD no frequency). This variant has not been reported in the literature in individuals affected with PCLO-related conditions. Algorithms developed to predict the effect of missense changes on protein structure and function are either unavailable or do not agree on the potential impact of this missense change (SIFT: "Tolerated"; PolyPhen-2: "Not Available"; Align-GVGD: "Class C0"). In summary, the available evidence is currently insufficient to determine the role of this variant in disease. Therefore, it has been classified as a Variant of Uncertain Significance.